The following is an entry in ClinVar:

NM_001017974.2(P4HA2):c.419A>G (p.Gln140Arg)

Gene: P4HA2 (prolyl 4-hydroxylase subunit alpha 2; minus strand). Cytogenetic location: 5q31.1.
Variant type: single nucleotide variant.
Coding change: c.419A>G on transcript NM_001017974.2 (MANE Select); coding-DNA position 419, A replaced by G.
Protein change: p.Gln140Arg; replaces glutamine 140 with arginine.
Molecular consequence: missense variant.
Genome position (GRCh38, 1-based): chr5:132,213,966, T>C on the plus strand (A>G on the coding strand, the complement: P4HA2 is on the minus strand). VCF-style: chr5-132213966-T-C. GRCh37 (hg19) VCF-style: chr5-131549659-T-C.
Other names: P4HA2, GLN140ARG; c.419A>G, p.Gln140Arg (NM_001017973.1, NM_001142598.2, NM_001142599.2 and 6 more transcripts); short protein forms Q140R.
Identifiers: ClinVar variation 372166 (VCV000372166.3), dbSNP rs764211125, ClinGen allele CA3402730.

ClinVar aggregate classification (germline): Likely pathogenic. Review status: criteria provided, single submitter (1 of 4 stars). 2 submissions from 2 submitters: Likely pathogenic (1). 1 of the submissions does not count toward it.

Conditions:
Myopia 25, autosomal dominant (MYP25). Identifiers: MedGen C4310655, MONDO:0014982, OMIM 617238.

Allele frequency attached by ClinVar (database versions not stated): gnomAD 0.00002 and 0.00003; TOPMed 0.00005.
gnomAD v4.1: 18 of 1,614,070 alleles (0.0011%); highest among the groups gnomAD compares: East Asian, 0.036%; no homozygotes.

Submissions (2):

Juno Genomics, Hangzhou Juno Genomics, Inc
Classification: Likely pathogenic for Myopia 25, autosomal dominant. Review status: criteria provided, single submitter. Criteria: ACMG Guidelines, 2015. Collection method: clinical testing. Allele origin: germline.
Comment: Absent from controls (or at extremely low frequency if recessive) in Genome Aggregation Database.;Multiple lines of computational evidence support a deleterious effect on the gene or gene product.;The prevalence of the variant in affected individuals is significantly increased compared to the prevalence in controls.

OMIM
Classification: Pathogenic for MYOPIA 25, AUTOSOMAL DOMINANT. Last evaluated: 2016-12-05. Review status: no assertion criteria provided. Collection method: literature only. Allele origin: germline. Not counted in ClinVar's aggregate classification.

Literature cited by the submitters: PubMed 25741866 (cited by OMIM).